The following is an entry in ClinVar:

ClinVar aggregate classification (germline): Uncertain significance (1 of 4 stars; one submission).

Allele frequency attached by ClinVar (database versions not stated): gnomAD exomes 0.00001; TOPMed 0.00001; ExAC 0.00004.
gnomAD v4.1: 13 of 1,564,530 alleles (0.00083%); highest among the groups gnomAD compares: East Asian, 0.0071%; 1 homozygote.

Submission:

Labcorp Genetics (formerly Invitae), Labcorp
Classification: Uncertain significance. Last evaluated: 2022-08-17. Review status: criteria provided, single submitter. Criteria: Invitae Variant Classification Sherloc (09022015). Collection method: clinical testing. Allele origin: germline.
Comment: This sequence change replaces lysine, which is basic and polar, with arginine, which is basic and polar, at codon 259 of the WDR1 protein (p.Lys259Arg). The frequency data for this variant in the population databases is considered unreliable, as metrics indicate poor data quality at this position in the gnomAD database. This variant has not been reported in the literature in individuals affected with WDR1-related conditions. Algorithms developed to predict the effect of missense changes on protein structure and function (SIFT, PolyPhen-2, Align-GVGD) all suggest that this variant is likely to be tolerated. Algorithms developed to predict the effect of sequence changes on RNA splicing suggest that this variant may create or strengthen a splice site. In summary, the available evidence is currently insufficient to determine the role of this variant in disease. Therefore, it has been classified as a Variant of Uncertain Significance.

NM_017491.5(WDR1):c.776A>G (p.Lys259Arg)

Gene: WDR1 (WD repeat domain 1; minus strand). Cytogenetic location: 4p16.1.
Variant type: single nucleotide variant.
Coding change: c.776A>G on transcript NM_017491.5 (MANE Select); coding-DNA position 776, A replaced by G.
Protein change: p.Lys259Arg; replaces lysine 259 with arginine.
Molecular consequence: missense variant.
Genome position (GRCh38, 1-based): chr4:10,087,882, T>C on the plus strand (A>G on the coding strand, the complement: WDR1 is on the minus strand). VCF-style: chr4-10087882-T-C. GRCh37 (hg19) VCF-style: chr4-10089506-T-C.
Other names: c.356A>G, p.Lys119Arg (NM_005112.5); short protein forms K259R, K119R.
Identifiers: ClinVar variation 1944762 (VCV001944762.2), dbSNP rs754924158, ClinGen allele CA2857886.
Genomic context (GRCh38, chr4:10,087,882, plus strand): 5'-AGAACCGTGGAGCCCATGGGAAATGTGCTGACCACGGAGTTCACGCTGACGTCCCAAATC[T>C]TGGAAGTTTTGTCCCCAGAAGCAGAAAGCAAATGGGTGCTGTCGGGACTCCAACTAATCT-3'
Protein context (NP_059830.1, residues 249-269): LLSASGDKTS[Lys259Arg]IWDVSVNSVV